The following is an entry in ClinVar:

NM_006941.4(SOX10):c.954T>A (p.Tyr318Ter)

Genes: POLR2F (RNA polymerase II, I and III subunit F; plus strand), SOX10 (SRY-box transcription factor 10; minus strand). Cytogenetic location: 22q13.1.
Variant type: single nucleotide variant.
Coding change: c.954T>A on transcript NM_006941.4 (MANE Select); coding-DNA position 954, T replaced by A.
Protein change: p.Tyr318Ter; replaces tyrosine 318 with a stop codon.
Molecular consequence: nonsense. On other transcripts: intron variant (3).
Genome position (GRCh38, 1-based): chr22:37,973,942, A>T on the plus strand (T>A on the coding strand, the complement: SOX10 is on the minus strand). VCF-style: chr22-37973942-A-T. GRCh37 (hg19) VCF-style: chr22-38369949-A-T.
Other names: c.*38+1632A>T (NM_001363825.1); c.293+6772A>T (NM_001301130.2, NM_001301131.2); short protein forms Y318*.
Identifiers: ClinVar variation 3601862 (VCV003601862.1).
Genomic context (GRCh38, chr22:37,973,942, plus strand): 5'-TGGTGGCTTGGAGATCCAGGCGGAGTGTCCACTGGCCACGGCCAGGGCACTGCCCAGCCC[A>T]TAGCCGGCTGCTGAGTAGCTGCTCACATGGCCTGGGTGCCCATTGGGCGGCAGGTACTGG-3'

ClinVar aggregate classification (germline): Pathogenic (1 of 4 stars; one submission).

Conditions:
Waardenburg syndrome type 4C (WS4C). Also called: WAARDENBURG SYNDROME WITH HIRSCHSPRUNG DISEASE, TYPE 4C. Identifiers: Orphanet 897, MedGen C2750452, MONDO:0013202, OMIM 613266.

Submission:

Institute of Rare Diseases, West China Hospital, Sichuan University
Classification: Pathogenic for Waardenburg syndrome type 4C. Last evaluated: 2025-01-09. Review status: criteria provided, single submitter. Criteria: ClinGen HL ACMG Specifications v1. Collection method: research. Allele origin: germline. Affected: yes.
Comment: PVS1;PS2;PP4;PM2_Supporting